The following is an entry in ClinVar:

NM_001105206.3(LAMA4):c.3194G>A (p.Arg1065Lys)

Gene: LAMA4 (laminin subunit alpha 4; minus strand). Cytogenetic location: 6q21.
Variant type: single nucleotide variant.
Coding change: c.3194G>A on transcript NM_001105206.3 (MANE Select); coding-DNA position 3194, G replaced by A.
Protein change: p.Arg1065Lys; replaces arginine 1065 with lysine.
Molecular consequence: missense variant.
Genome position (GRCh38, 1-based): chr6:112,139,208, C>T on the plus strand (G>A on the coding strand, the complement: LAMA4 is on the minus strand). VCF-style: chr6-112139208-C-T. GRCh37 (hg19) VCF-style: chr6-112460410-C-T.
Other names: c.3173G>A, p.Arg1058Lys (NM_001105207.3, NM_002290.5); short protein forms R1065K, R1058K.
Identifiers: ClinVar variation 3689428 (VCV003689428.2).

ClinVar aggregate classification (germline): Uncertain significance (1 of 4 stars; one submission).

Conditions:
Dilated cardiomyopathy 1JJ (CMD1JJ). Identifiers: Orphanet 154, MedGen C3808935, MONDO:0014095, OMIM 615235.

gnomAD v4.1: 3 of 1,614,180 alleles (0.00019%); highest among the groups gnomAD compares: South Asian, 0.0011%; no homozygotes.

Submission:

Labcorp Genetics (formerly Invitae), Labcorp
Classification: Uncertain significance for Dilated cardiomyopathy 1JJ. Last evaluated: 2024-02-16. Review status: criteria provided, single submitter. Criteria: Invitae Variant Classification Sherloc (09022015). Collection method: clinical testing. Allele origin: germline.
Comment: This sequence change replaces arginine, which is basic and polar, with lysine, which is basic and polar, at codon 1058 of the LAMA4 protein (p.Arg1058Lys). This variant is not present in population databases (gnomAD no frequency). This variant has not been reported in the literature in individuals affected with LAMA4-related conditions. Algorithms developed to predict the effect of missense changes on protein structure and function output the following: SIFT: "Not Available"; PolyPhen-2: "Benign"; Align-GVGD: "Not Available". The lysine amino acid residue is found in multiple mammalian species, which suggests that this missense change does not adversely affect protein function. In summary, the available evidence is currently insufficient to determine the role of this variant in disease. Therefore, it has been classified as a Variant of Uncertain Significance.